The following is an entry in ClinVar:

NM_000069.3(CACNA1S):c.460A>G (p.Ser154Gly)

Gene: CACNA1S (calcium voltage-gated channel subunit alpha1 S; minus strand). Cytogenetic location: 1q32.1.
Variant type: single nucleotide variant.
Coding change: c.460A>G on transcript NM_000069.3 (MANE Select); coding-DNA position 460, A replaced by G.
Protein change: p.Ser154Gly; replaces serine 154 with glycine.
Molecular consequence: missense variant.
Genome position (GRCh38, 1-based): chr1:201,092,053, T>C on the plus strand (A>G on the coding strand, the complement: CACNA1S is on the minus strand). VCF-style: chr1-201092053-T-C. GRCh37 (hg19) VCF-style: chr1-201061181-T-C.
Other names: short protein forms S154G.
Identifiers: ClinVar variation 473997 (VCV000473997.15), dbSNP rs761768992, ClinGen allele CA083461.
Genomic context (GRCh38, chr1:201,092,053, plus strand): 5'-GGAGGGGTCTGAGCACTCGGAAGGCTCTGAGGGCCTTGACATCCAAGCCGGCTCCTTTGC[T>C]GCTCATTGGGGCTGTGTGGCTTTGGATGACGTTAACCTGTTCCAGAATCACGGTGAAGAC-3'
Protein context (NP_000060.2, residues 144-164): VIQSHTAPMS[Ser154Gly]KGAGLDVKAL

ClinVar aggregate classification (germline): Conflicting classifications of pathogenicity. Review status: criteria provided, conflicting classifications (1 of 4 stars). 5 submissions from 5 submitters: Uncertain significance (3); Likely benign (1). 1 of the submissions does not count toward it. Last evaluated 2025-12-16.

Conditions:
Inborn genetic diseases. Identifiers: MedGen C0950123, MeSH D030342.
CACNA1S-related disorder. Also called: CACNA1S-related condition.
Malignant hyperthermia, susceptibility to, 5 (MHS5). Also called: CACNA1S-Related Malignant Hyperthermia Susceptibility. Identifiers: Orphanet 423, MedGen C1866077, MONDO:0011163, OMIM 601887.
Hypokalemic periodic paralysis, type 1. Also called: HypoPP; Hypokalemic Periodic Paralysis Type 1 (AD). Identifiers: Orphanet 681, MedGen C3714580, MONDO:0042979, OMIM 170400.

Allele frequency attached by ClinVar (database versions not stated): gnomAD below 0.00001 and 0.00002; TOPMed below 0.00001; gnomAD exomes 0.00006 and 0.00014; ExAC 0.00016.
gnomAD v4.1: 88 of 1,613,962 alleles (0.0055%); highest among the groups gnomAD compares: South Asian, 0.092%; 3 homozygotes.

Submissions (5):

Labcorp Genetics (formerly Invitae), Labcorp
Classification: Likely benign for Hypokalemic periodic paralysis, type 1; Malignant hyperthermia, susceptibility to, 5. Last evaluated: 2025-12-16. Review status: criteria provided, single submitter. Criteria: Invitae Variant Classification Sherloc (09022015). Collection method: clinical testing. Allele origin: germline.

Revvity Omics, Revvity
Classification: Uncertain significance. Last evaluated: 2024-09-20. Review status: criteria provided, single submitter. Criteria: ACMG Guidelines, 2015. Collection method: clinical testing. Allele origin: germline.

Ambry Genetics
Classification: Uncertain significance for Inborn genetic diseases. Last evaluated: 2024-01-17. Review status: criteria provided, single submitter. Criteria: Ambry Variant Classification Scheme 2023. Collection method: clinical testing. Allele origin: germline.

Color Diagnostics, LLC DBA Color Health
Classification: Uncertain significance for Malignant hyperthermia, susceptibility to, 5. Last evaluated: 2023-11-15. Review status: criteria provided, single submitter. Criteria: ACMG Guidelines, 2015. Collection method: clinical testing. Allele origin: germline.
Comment: This missense variant replaces serine with glycine at codon 154 of the CACNA1S protein. Computational prediction suggests that this variant may not impact protein structure and function. To our knowledge, functional studies have not been reported for this variant. This variant has not been reported in individuals affected with CACNA1S-related disorders in the literature. This variant has been identified in 34/251488 chromosomes in the general population by the Genome Aggregation Database (gnomAD). The available evidence is insufficient to determine the role of this variant in disease conclusively. Therefore, this variant is classified as a Variant of Uncertain Significance.

PreventionGenetics, part of Exact Sciences
Classification: Likely benign for CACNA1S-related condition. Last evaluated: 2024-09-04. Review status: no assertion criteria provided. Collection method: clinical testing. Allele origin: germline. Not counted in ClinVar's aggregate classification.
Comment: This variant is classified as likely benign based on ACMG/AMP sequence variant interpretation guidelines (Richards et al. 2015 PMID: 25741868, with internal and published modifications).